The following is an entry in ClinVar:

NM_006766.5(KAT6A):c.139G>A (p.Val47Ile)

Gene: KAT6A (lysine acetyltransferase 6A; minus strand). Cytogenetic location: 8p11.21.
Variant type: single nucleotide variant.
Coding change: c.139G>A on transcript NM_006766.5 (MANE Select); coding-DNA position 139, G replaced by A.
Protein change: p.Val47Ile; replaces valine 47 with isoleucine.
Molecular consequence: missense variant.
Genome position (GRCh38, 1-based): chr8:42,048,839, C>T on the plus strand (G>A on the coding strand, the complement: KAT6A is on the minus strand). VCF-style: chr8-42048839-C-T. GRCh37 (hg19) VCF-style: chr8-41906357-C-T.
Other names: c.139G>A, p.Val47Ile (NM_001305878.2); short protein forms V47I.
Identifiers: ClinVar variation 1981659 (VCV001981659.4), dbSNP rs768747380, ClinGen allele CA4730472.

ClinVar aggregate classification (germline): Uncertain significance (1 of 4 stars; one submission).

Allele frequency attached by ClinVar (database versions not stated): gnomAD exomes below 0.00001; ExAC 0.00001; gnomAD 0.00001.
gnomAD v4.1: 5 of 1,614,012 alleles (0.00031%); highest among the groups gnomAD compares: Non-Finnish European, 0.00042%; no homozygotes.

Submission:

Labcorp Genetics (formerly Invitae), Labcorp
Classification: Uncertain significance. Last evaluated: 2022-04-15. Review status: criteria provided, single submitter. Criteria: Invitae Variant Classification Sherloc (09022015). Collection method: clinical testing. Allele origin: germline.
Comment: This variant is present in population databases (rs768747380, gnomAD 0.002%). This sequence change replaces valine, which is neutral and non-polar, with isoleucine, which is neutral and non-polar, at codon 47 of the KAT6A protein (p.Val47Ile). This variant has not been reported in the literature in individuals affected with KAT6A-related conditions. In summary, the available evidence is currently insufficient to determine the role of this variant in disease. Therefore, it has been classified as a Variant of Uncertain Significance. Algorithms developed to predict the effect of missense changes on protein structure and function (SIFT, PolyPhen-2, Align-GVGD) all suggest that this variant is likely to be tolerated.